The following is an entry in ClinVar:

NC_000023.11:g.(?_31323588)_(31507463_?)del

Gene: DMD (dystrophin; minus strand). Cytogenetic location: Xp21.2-21.1.
Variant type: Deletion.
Identifiers: ClinVar variation 651819 (VCV000651819.1).

ClinVar aggregate classification (germline): Pathogenic (1 of 4 stars; one submission).

Conditions:
Duchenne muscular dystrophy (DMD). Also called: MUSCULAR DYSTROPHY, PSEUDOHYPERTROPHIC PROGRESSIVE, DUCHENNE TYPE; Duchenne Muscular Dystrophy (DMD). Identifiers: Orphanet 98896, MedGen C0013264, MONDO:0010679, OMIM 310200.

Submission:

Labcorp Genetics (formerly Invitae), Labcorp
Classification: Pathogenic for Duchenne muscular dystrophy. Last evaluated: 2018-09-28. Review status: criteria provided, single submitter. Criteria: Invitae Variant Classification Sherloc (09022015). Collection method: clinical testing. Allele origin: germline.
Comment: This variant is an out-of-frame deletion of the genomic region encompassing exons 56-62 of the DMD gene. This is expected to create a premature translational stop signal and result in an absent or disrupted protein product. This variant has been observed in an individual affected with Duchenne muscular dystrophy (PMID: 19602481). Loss-of-function variants in DMD are known to be pathogenic (PMID: 16770791, 25007885). For these reasons, this variant has been classified as Pathogenic.

Literature cited by the submitters: PubMed 19602481.